The following is an entry in ClinVar:

NM_004168.4(SDHA):c.1813G>C (p.Asp605His)

Gene: SDHA (succinate dehydrogenase complex flavoprotein subunit A; plus strand). Cytogenetic location: 5p15.33.
Variant type: single nucleotide variant.
Coding change: c.1813G>C on transcript NM_004168.4 (MANE Select); coding-DNA position 1813, G replaced by C.
Protein change: p.Asp605His; replaces aspartic acid 605 with histidine.
Molecular consequence: missense variant.
Genome position (GRCh38, 1-based): chr5:254,411, G>C. VCF-style: chr5-254411-G-C. GRCh37 (hg19) VCF-style: chr5-254526-G-C.
Other names: c.1669G>C, p.Asp557His (NM_001294332.2); c.1570G>C, p.Asp524His (NM_001330758.2); short protein forms D605H, D524H, D557H.
Identifiers: ClinVar variation 539672 (VCV000539672.16), dbSNP rs771593214, ClinGen allele CA359001707.
Genomic context (GRCh38, chr5:254,411, plus strand): 5'-CTGTTAGAGTAATAAGAAACGTGATGGTGTTTCTGGCCTCAGGTGCGGATTGATGAGTAC[G>C]ATTACTCCAAGCCCATCCAGGGGCAACAGAAGAAGCCCTTTGAGGAGCACTGGAGGAAGC-3'
Protein context (NP_004159.2, residues 595-615): EDYKVRIDEY[Asp605His]YSKPIQGQQK

ClinVar aggregate classification (germline): Uncertain significance. Review status: criteria provided, multiple submitters, no conflicts (2 of 4 stars). 4 submissions from 4 submitters: Uncertain significance (4). Last evaluated 2026-04-07.

Conditions:
Neurodegeneration with ataxia and late-onset optic atrophy. Identifiers: MedGen C5543254, MONDO:0031006, OMIM 619259.
Mitochondrial complex II deficiency, nuclear type 1. Also called: SUCCINATE CoQ REDUCTASE DEFICIENCY. Identifiers: Orphanet 3208, MedGen C5700310, MONDO:0100294, OMIM 252011.
Pheochromocytoma/paraganglioma syndrome 5. Also called: SDHA-Related Hereditary Paraganglioma-Pheochromocytoma Syndrome; Paragangliomas 5. Identifiers: Orphanet 29072, MedGen C3279992, MONDO:0013602, OMIM 614165.
Dilated cardiomyopathy 1GG (CMD1GG). Identifiers: Orphanet 154, MedGen C3150898, MONDO:0013339, OMIM 613642.
Hereditary cancer-predisposing syndrome. Also called: Neoplastic Syndromes, Hereditary; Tumor predisposition; Hereditary Cancer Syndrome; Hereditary neoplastic syndrome. Identifiers: Orphanet 140162, MedGen C0027672, MeSH D009386, MONDO:0015356.

Submissions (4):

GeneDx
Classification: Uncertain significance. Last evaluated: 2026-04-07. Review status: criteria provided, single submitter. Criteria: GeneDx Variant Classification Process June 2021. Collection method: clinical testing. Allele origin: germline.
Comment: Not observed at significant frequency in large population cohorts (gnomAD); In silico analysis supports that this missense variant has a deleterious effect on protein structure/function; Has not been previously published as pathogenic or benign to our knowledge

Ambry Genetics
Classification: Uncertain significance for Hereditary cancer-predisposing syndrome. Last evaluated: 2026-02-06. Review status: criteria provided, single submitter. Criteria: Ambry Variant Classification Scheme 2023. Collection method: clinical testing. Allele origin: germline.
Comment: The p.D605H variant (also known as c.1813G>C), located in coding exon 14 of the SDHA gene, results from a G to C substitution at nucleotide position 1813. The aspartic acid at codon 605 is replaced by histidine, an amino acid with similar properties. This amino acid position is highly conserved in available vertebrate species. In addition, this alteration is predicted to be deleterious by in silico analysis. Based on the available evidence, the clinical significance of this variant remains unclear.

Fulgent Genetics
Classification: Uncertain significance for Mitochondrial complex II deficiency, nuclear type 1; Dilated cardiomyopathy 1GG; Pheochromocytoma/paraganglioma syndrome 5; Neurodegeneration with ataxia and late-onset optic atrophy. Last evaluated: 2024-04-26. Review status: criteria provided, single submitter. Criteria: ACMG Guidelines, 2015. Collection method: clinical testing. Allele origin: germline.

Labcorp Genetics (formerly Invitae), Labcorp
Classification: Uncertain significance for Pheochromocytoma/paraganglioma syndrome 5; Mitochondrial complex II deficiency, nuclear type 1. Last evaluated: 2022-01-12. Review status: criteria provided, single submitter. Criteria: Invitae Variant Classification Sherloc (09022015). Collection method: clinical testing. Allele origin: germline.
Comment: In summary, the available evidence is currently insufficient to determine the role of this variant in disease. Therefore, it has been classified as a Variant of Uncertain Significance. Advanced modeling of protein sequence and biophysical properties (such as structural, functional, and spatial information, amino acid conservation, physicochemical variation, residue mobility, and thermodynamic stability) performed at Invitae indicates that this missense variant is not expected to disrupt SDHA protein function. ClinVar contains an entry for this variant (Variation ID: 539672). This variant has not been reported in the literature in individuals affected with SDHA-related conditions. This variant is not present in population databases (gnomAD no frequency). This sequence change replaces aspartic acid, which is acidic and polar, with histidine, which is basic and polar, at codon 605 of the SDHA protein (p.Asp605His).